The following is an entry in ClinVar:

NM_000404.4(GLB1):c.-25C>G

Genes: GLB1 (galactosidase beta 1; minus strand), TMPPE (transmembrane protein with metallophosphoesterase domain; minus strand), LOC129936434 (ATAC-STARR-seq lymphoblastoid silent region 14182; plus strand). Cytogenetic location: 3p22.3.
Variant type: single nucleotide variant.
Coding change: c.-25C>G on transcript NM_000404.4 (MANE Select); 25 bases upstream of the start codon, C replaced by G.
Molecular consequence: 5 prime UTR variant.
Genome position (GRCh38, 1-based): chr3:33,097,110, G>C on the plus strand (C>G on the coding strand, the complement: GLB1 is on the minus strand). VCF-style: chr3-33097110-G-C. GRCh37 (hg19) VCF-style: chr3-33138602-G-C.
Other names: c.-25C>G (NM_001135602.3, NM_001317040.2, NM_001393580.1); c.-500C>G (NM_001039770.3); c.-396C>G (NM_001136238.2).
Identifiers: ClinVar variation 344797 (VCV000344797.7), dbSNP rs368944274, ClinGen allele CA2300152.

ClinVar aggregate classification (germline): Conflicting classifications of pathogenicity. Review status: criteria provided, conflicting classifications (1 of 4 stars). 4 submissions from 3 submitters: Uncertain significance (3); Likely benign (1). Last evaluated 2025-09-22.

Conditions:
GM1 gangliosidosis. Identifiers: Orphanet 354, MedGen C0085131, MONDO:0018149.
Mucopolysaccharidosis, MPS-IV-B (MPS4B). Also called: Mucopolysaccharidosis type IV B; Mucopolysaccharidosis Type IVB (Morquio B Disease); Mucopolysaccharidosis type 4B; Mucopolysaccharidosis type IVB (Morquio); MPS IVB; Mucopolysaccharidosis Type IVB. Identifiers: Orphanet 309310, Orphanet 582, MedGen C0086652, MONDO:0009660, OMIM 253010.

Allele frequency attached by ClinVar (database versions not stated): 1000 Genomes Project 0.00020; ESP Exome Variant Server 0.00025; TOPMed 0.00034; gnomAD exomes 0.00037; ExAC 0.00043; 1000 Genomes Project 30x 0.00047.
gnomAD v4.1: 481 of 1,610,794 alleles (0.03%); highest among the groups gnomAD compares: Middle Eastern, 0.46%; 5 homozygotes.

Submissions (4):

Mayo Clinic Laboratories, Mayo Clinic
Classification: Likely benign. Last evaluated: 2025-09-22. Review status: criteria provided, single submitter. Criteria: ACMG Guidelines, 2015. Collection method: clinical testing. Allele origin: germline. Observed: 2 variant alleles.
Comment: BP4, BP7

Illumina Laboratory Services, Illumina
Classification: Uncertain significance for GM1 gangliosidosis. Last evaluated: 2018-01-12. Review status: criteria provided, single submitter. Criteria: ICSL Variant Classification Criteria 13 December 2019. Collection method: clinical testing. Allele origin: germline.

Illumina Laboratory Services, Illumina
Classification: Uncertain significance for Mucopolysaccharidosis, MPS-IV-B. Last evaluated: 2018-01-12. Review status: criteria provided, single submitter. Criteria: ICSL Variant Classification Criteria 13 December 2019. Collection method: clinical testing. Allele origin: germline.

Breakthrough Genomics
Classification: Uncertain significance. Review status: criteria provided, single submitter. Criteria: ACMG Guidelines, 2015. Collection method: not provided. Allele origin: germline. Inheritance: Autosomal recessive inheritance. Affected: yes.